The following is an entry in ClinVar:

ClinVar aggregate classification (germline): Pathogenic (1 of 4 stars; one submission).

Submission:

Labcorp Genetics (formerly Invitae), Labcorp
Classification: Pathogenic. Last evaluated: 2023-01-02. Review status: criteria provided, single submitter. Criteria: Invitae Variant Classification Sherloc (09022015). Collection method: clinical testing. Allele origin: unknown.
Comment: For these reasons, this variant has been classified as Pathogenic. This variant has not been reported in the literature in individuals affected with EYS-related conditions. This variant results in the deletion of exon 3 and part of exon 4 (c.-332-11343_445delins118) of the EYS gene. It is expected to result in an absent or disrupted protein product. Loss-of-function variants in EYS are known to be pathogenic (PMID: 18836446, 20333770).

Literature cited by the submitters: PubMed 18836446; PubMed 20333770.

NC_000006.11:g.(?_66204859)_(66217229_?)del

Gene: EYS (eyes shut homolog; minus strand). Cytogenetic location: 6q12.
Variant type: Deletion.
Identifiers: ClinVar variation 3246148 (VCV003246148.1).